The following is an entry in ClinVar:

ClinVar aggregate classification (germline): Likely pathogenic (1 of 4 stars; one submission).

Allele frequency attached by ClinVar (database versions not stated): gnomAD exomes 0.00001; TOPMed 0.00001; ESP Exome Variant Server 0.00008; gnomAD 0.00001.
gnomAD v4.1: 12 of 1,614,096 alleles (0.00074%); highest among the groups gnomAD compares: Non-Finnish European, 0.00093%; no homozygotes.

Submission:

GeneDx
Classification: Likely pathogenic. Last evaluated: 2025-07-11. Review status: criteria provided, single submitter. Criteria: GeneDx Variant Classification Process June 2021. Collection method: clinical testing. Allele origin: germline. Affected: yes.
Comment: Not observed at significant frequency in large population cohorts (gnomAD); In silico analysis suggests that this missense variant does not alter protein structure/function; This variant is associated with the following publications: (PMID: 33681112, 40070083)

NM_182931.3(KMT2E):c.5417C>T (p.Pro1806Leu)

Gene: KMT2E (lysine methyltransferase 2E (inactive); plus strand). Cytogenetic location: 7q22.3.
Variant type: single nucleotide variant.
Coding change: c.5417C>T on transcript NM_182931.3 (MANE Select); coding-DNA position 5417, C replaced by T.
Protein change: p.Pro1806Leu; replaces proline 1806 with leucine.
Molecular consequence: missense variant.
Genome position (GRCh38, 1-based): chr7:105,113,173, C>T. VCF-style: chr7-105113173-C-T. GRCh37 (hg19) VCF-style: chr7-104753620-C-T.
Other names: c.5291C>T, p.Pro1764Leu (NM_001410908.1); c.5417C>T, p.Pro1806Leu (NM_018682.4); short protein forms P1764L, P1806L.
Identifiers: ClinVar variation 2579497 (VCV002579497.3), dbSNP rs370922692, ClinGen allele CA164025067.